The following is an entry in ClinVar:

ClinVar aggregate classification (germline): Uncertain significance (1 of 4 stars; one submission).

Conditions:
Long QT syndrome (LQTS). Identifiers: MedGen C0023976, MeSH D008133, MONDO:0002442. Disease mechanism: loss of function. Inheritance: Various modes of inheritance.

Submission:

Labcorp Genetics (formerly Invitae), Labcorp
Classification: Uncertain significance for Long QT syndrome. Last evaluated: 2023-06-05. Review status: criteria provided, single submitter. Criteria: Invitae Variant Classification Sherloc (09022015). Collection method: clinical testing. Allele origin: germline.
Comment: This sequence change replaces aspartic acid, which is acidic and polar, with glycine, which is neutral and non-polar, at codon 706 of the ANK2 protein (p.Asp706Gly). This variant is not present in population databases (gnomAD no frequency). This variant has not been reported in the literature in individuals affected with ANK2-related conditions. Advanced modeling of protein sequence and biophysical properties (such as structural, functional, and spatial information, amino acid conservation, physicochemical variation, residue mobility, and thermodynamic stability) performed at Invitae indicates that this missense variant is expected to disrupt ANK2 protein function. In summary, the available evidence is currently insufficient to determine the role of this variant in disease. Therefore, it has been classified as a Variant of Uncertain Significance.

NM_001148.6(ANK2):c.2117A>G (p.Asp706Gly)

Gene: ANK2 (ankyrin 2; plus strand). Cytogenetic location: 4q26.
Variant type: single nucleotide variant.
Coding change: c.2117A>G on transcript NM_001148.6 (MANE Select); coding-DNA position 2117, A replaced by G.
Protein change: p.Asp706Gly; replaces aspartic acid 706 with glycine.
Molecular consequence: missense variant.
Genome position (GRCh38, 1-based): chr4:113,287,642, A>G. VCF-style: chr4-113287642-A-G. GRCh37 (hg19) VCF-style: chr4-114208798-A-G.
Other names: c.2054A>G, p.Asp685Gly (NM_001386161.1, NM_001354254.2, NM_001354255.2 and 10 more transcripts); c.2030A>G, p.Asp677Gly (NM_001386162.1, NM_001354264.2, NM_001354276.2 and 10 more transcripts); c.2168A>G, p.Asp723Gly (NM_001386174.1); c.2144A>G, p.Asp715Gly (NM_001386175.1); c.2105A>G, p.Asp702Gly (NM_001386186.2, NM_001386148.2); c.2081A>G, p.Asp694Gly (NM_001386187.2); c.2117A>G, p.Asp706Gly (NM_020977.5, NM_001354258.2, NM_001354225.2 and 6 more transcripts); c.1955A>G, p.Asp652Gly (NM_001354257.2, NM_001354253.2, NM_001354270.2 and 1 more transcripts); and 8 more; short protein forms D636G, D640G, D677G, D644G, D702G, D611G, D673G, D685G.
Identifiers: ClinVar variation 2802757 (VCV002802757.3), dbSNP rs2496541752, ClinGen allele CA357915627.